The following is an entry in ClinVar:

NM_001242896.3(DEPDC5):c.905C>T (p.Ala302Val)

Gene: DEPDC5 (DEP domain containing 5, GATOR1 subcomplex subunit; plus strand). Cytogenetic location: 22q12.2.
Variant type: single nucleotide variant.
Coding change: c.905C>T on transcript NM_001242896.3 (MANE Select); coding-DNA position 905, C replaced by T.
Protein change: p.Ala302Val; replaces alanine 302 with valine.
Molecular consequence: missense variant. On other transcripts: non-coding transcript variant (5).
Genome position (GRCh38, 1-based): chr22:31,798,615, C>T. VCF-style: chr22-31798615-C-T. GRCh37 (hg19) VCF-style: chr22-32194601-C-T.
Other names: c.905C>T, p.Ala302Val (NM_001007188.4, NM_001136029.4, NM_001242897.2 and 7 more transcripts); c.821C>T, p.Ala274Val (NM_001369901.1, NM_001369902.1); short protein forms A274V, A302V.
Identifiers: ClinVar variation 4774295 (VCV004774295.1).

ClinVar aggregate classification (germline): Uncertain significance (1 of 4 stars; one submission).

Conditions:
Familial focal epilepsy with variable foci (FPEVF). Identifiers: Orphanet 98820, MedGen C1858477, MONDO:0020310.

gnomAD v4.1: 3 of 1,611,726 alleles (0.00019%); no homozygotes.

Submission:

Labcorp Genetics (formerly Invitae), Labcorp
Classification: Uncertain significance for Familial focal epilepsy with variable foci. Last evaluated: 2025-09-27. Review status: criteria provided, single submitter. Criteria: Invitae Variant Classification Sherloc (09022015). Collection method: clinical testing. Allele origin: germline.
Comment: This sequence change replaces alanine, which is neutral and non-polar, with valine, which is neutral and non-polar, at codon 302 of the DEPDC5 protein (p.Ala302Val). This variant is present in population databases (no rsID available, gnomAD 0.01%). This variant has not been reported in the literature in individuals affected with DEPDC5-related conditions. Experimental studies and prediction algorithms are not available or were not evaluated, and the functional significance of this variant is currently unknown. In summary, the available evidence is currently insufficient to determine the role of this variant in disease. Therefore, it has been classified as a Variant of Uncertain Significance.